The following is an entry in ClinVar:

ClinVar aggregate classification (germline): Uncertain significance (1 of 4 stars; one submission).

Conditions:
Familial intrahepatic cholestasis. Identifiers: Orphanet 284385, MedGen CN296401, MONDO:0017290.

Submission:

Genomenon, Inc
Classification: Uncertain significance for Familial intrahepatic cholestasis. Last evaluated: 2026-04-14. Review status: criteria provided, single submitter. Criteria: Genomenon Sequence Variant Interpretation Standards - Updated. Collection method: curation. Allele origin: germline. Affected: yes.
Comment: ATP8B1 p.Thr888Lys (c.2663C>A) is a missense variant that changes the amino acid at residue 888 from Threonine to Lysine. This variant has been observed in at least one proband with features of ATP8B1-deficiency (PMID:35783636;33666275). It is absent or not present at a significant frequency in gnomAD. In silico models predict that this variant is possibly or probably damaging. In conclusion, we classify ATP8B1 p.Thr888Lys (c.2663C>A) as a variant of uncertain significance.

Literature cited by the submitters: PubMed 35783636; PubMed 33666275.

NM_001374385.1(ATP8B1):c.2663C>A (p.Thr888Lys)

Genes: ATP8B1 (ATPase phospholipid transporting 8B1; minus strand), ATP8B1-AS1 (ATP8B1 antisense RNA 1; plus strand). Cytogenetic location: 18q21.31.
Variant type: single nucleotide variant.
Coding change: c.2663C>A on transcript NM_001374385.1 (MANE Select); coding-DNA position 2663, C replaced by A.
Protein change: p.Thr888Lys; replaces threonine 888 with lysine.
Molecular consequence: missense variant.
Genome position (GRCh38, 1-based): chr18:57,661,218, G>T on the plus strand (C>A on the coding strand, the complement: ATP8B1 is on the minus strand). VCF-style: chr18-57661218-G-T. GRCh37 (hg19) VCF-style: chr18-55328450-G-T.
Other names: c.2513C>A, p.Thr838Lys (NM_001374386.1); c.2663C>A, p.Thr888Lys (NM_005603.6); short protein forms T838K, T888K.
Identifiers: ClinVar variation 4846299 (VCV004846299.1).